The following is an entry in ClinVar:

ClinVar aggregate classification (germline): Uncertain significance (1 of 4 stars; one submission).

Conditions:
Spondyloepiphyseal dysplasia with congenital joint dislocations (SEDCJD). Also called: Chondrodysplasia with Congenital Joint Dislocations, CHST3-Related. Identifiers: Orphanet 263463, MedGen C1837657, MONDO:0007738, OMIM 143095.

Submission:

Neuberg Centre For Genomic Medicine, NCGM
Classification: Uncertain significance for Spondyloepiphyseal dysplasia with congenital joint dislocations. Review status: criteria provided, single submitter. Criteria: ACMG Guidelines, 2015. Collection method: clinical testing. Allele origin: germline. Inheritance: Autosomal recessive inheritance. Affected: yes.
Comment: The frameshift variant c.947del (p.Gly316AlafsTer18) in CHST3 gene has not been reported previously as a pathogenic variant nor as a benign variant, to our knowledge. The p.Gly316AlafsTer18 variant is novel (not in any individuals) in gnomAD Exomes and 1000 Genomes. This variant causes a frameshift starting with codon Glycine 316, changes this amino acid to Alanine residue, and creates a premature Stop codon at position 18 of the new reading frame, denoted p.Gly316AlafsTer18. Since, the variant is in the last exon, functional studies will be required to prove protein truncation. For these reasons, this variant has been classified as Uncertain Significance.

NM_004273.5(CHST3):c.947del (p.Gly316fs)

Gene: CHST3 (carbohydrate sulfotransferase 3; plus strand). Cytogenetic location: 10q22.1.
Variant type: Deletion.
Coding change: c.947del on transcript NM_004273.5 (MANE Select); coding-DNA position 947, one base deleted (G; older notation c.947delG).
Protein change: p.Gly316fs; shifts the reading frame from glycine 316.
Molecular consequence: frameshift variant.
Genome position (GRCh38, 1-based): chr10:72,007,978, G deleted; the last of 2 consecutive G bases (chr10:72,007,977-72,007,978); deleting either gives the same sequence. VCF-style (leftmost placement, unchanged base first): chr10-72007976-CG-C. GRCh37 (hg19) VCF-style: chr10-73767734-CG-C.
Other names: short protein forms G316fs.
Identifiers: ClinVar variation 2585014 (VCV002585014.1), dbSNP rs2494771916, ClinGen allele CA2582342678.